The following is an entry in ClinVar:

ClinVar aggregate classification (germline): Conflicting classifications of pathogenicity. Review status: criteria provided, conflicting classifications (1 of 4 stars). 7 submissions from 7 submitters: Uncertain significance (3); Likely benign (3). 1 of the submissions does not count toward it. Last evaluated 2026-01-08.

Conditions:
Inborn genetic diseases. Identifiers: MedGen C0950123, MeSH D030342.
SLC26A5-related disorder. Also called: SLC26A5-related condition.

Allele frequency attached by ClinVar (database versions not stated): gnomAD exomes 0.00024 and 0.00046; ExAC 0.00035; gnomAD 0.00107 and 0.00113; 1000 Genomes Project 30x 0.00125; ESP Exome Variant Server 0.00131; TOPMed 0.00138; 1000 Genomes Project 0.00140.
gnomAD v4.1: 555 of 1,614,118 alleles (0.034%); highest among the groups gnomAD compares: African/African-American, 0.27%; 3 homozygotes.

Submissions (7):

Labcorp Genetics (formerly Invitae), Labcorp
Classification: Likely benign. Last evaluated: 2026-01-08. Review status: criteria provided, single submitter. Criteria: Invitae Variant Classification Sherloc (09022015). Collection method: clinical testing. Allele origin: germline.

Blueprint Genetics
Classification: Likely benign. Last evaluated: 2024-10-17. Review status: criteria provided, single submitter. Criteria: ACMG Guidelines, 2015. Collection method: clinical testing. Allele origin: germline.

Ambry Genetics
Classification: Uncertain significance for Inborn genetic diseases. Last evaluated: 2023-12-30. Review status: criteria provided, single submitter. Criteria: Ambry Variant Classification Scheme 2023. Collection method: clinical testing. Allele origin: germline.

GeneDx
Classification: Likely benign. Last evaluated: 2021-01-22. Review status: criteria provided, single submitter. Criteria: GeneDx Variant Classification Process June 2021. Collection method: clinical testing. Allele origin: germline. Affected: yes.

Eurofins Ntd Llc (ga)
Classification: Uncertain significance. Last evaluated: 2017-11-08. Review status: criteria provided, single submitter. Criteria: EGL Classification Definitions 2015. Collection method: clinical testing. Allele origin: germline. Observed: 2 variant alleles, 2 heterozygotes.

CeGaT Center for Human Genetics Tuebingen
Classification: Uncertain significance. Last evaluated: 2016-05-01. Review status: criteria provided, single submitter. Criteria: CeGaT Center For Human Genetics Tuebingen Variant Classification Criteria Version 2. Collection method: clinical testing. Allele origin: germline. Affected: yes. Observed: 1 variant allele.

PreventionGenetics, part of Exact Sciences
Classification: Likely benign for SLC26A5-related condition. Last evaluated: 2024-03-21. Review status: no assertion criteria provided. Collection method: clinical testing. Allele origin: germline. Not counted in ClinVar's aggregate classification.
Comment: This variant is classified as likely benign based on ACMG/AMP sequence variant interpretation guidelines (Richards et al. 2015 PMID: 25741868, with internal and published modifications).

NM_198999.3(SLC26A5):c.1944A>C (p.Gln648His)

Gene: SLC26A5 (solute carrier family 26 member 5; minus strand). Cytogenetic location: 7q22.1.
Variant type: single nucleotide variant.
Coding change: c.1944A>C on transcript NM_198999.3 (MANE Select); coding-DNA position 1944, A replaced by C.
Protein change: p.Gln648His; replaces glutamine 648 with histidine.
Molecular consequence: missense variant. On other transcripts: non-coding transcript variant (5), intron variant (2).
Genome position (GRCh38, 1-based): chr7:103,377,641, T>G on the plus strand (A>C on the coding strand, the complement: SLC26A5 is on the minus strand). VCF-style: chr7-103377641-T-G. GRCh37 (hg19) VCF-style: chr7-103018088-T-G.
Other names: c.1848A>C, p.Gln616His (NM_001167962.2, NM_001321787.2); c.1944A>C, p.Gln648His (NM_206883.3); c.971+20291A>C (NM_206885.3); c.1514+11367A>C (NM_206884.3); short protein forms Q648H, Q616H.
Identifiers: ClinVar variation 499490 (VCV000499490.57), dbSNP rs148546326, ClinGen allele CA4419359.